The following is an entry in ClinVar:

NM_004360.5(CDH1):c.2305T>G (p.Leu769Val)

Gene: CDH1 (cadherin 1; plus strand). Cytogenetic location: 16q22.1.
Variant type: single nucleotide variant.
Coding change: c.2305T>G on transcript NM_004360.5 (MANE Select); coding-DNA position 2305, T replaced by G.
Protein change: p.Leu769Val; replaces leucine 769 with valine.
Molecular consequence: missense variant.
Genome position (GRCh38, 1-based): chr16:68,829,663, T>G. VCF-style: chr16-68829663-T-G. GRCh37 (hg19) VCF-style: chr16-68863566-T-G.
Other names: c.2305T>G (LRG_301t1); c.2122T>G, p.Leu708Val (NM_001317184.2); c.757T>G, p.Leu253Val (NM_001317185.2); c.340T>G, p.Leu114Val (NM_001317186.2); short protein forms L769V, L708V, L253V, L114V.
Identifiers: ClinVar variation 485473 (VCV000485473.9), dbSNP rs766222121, ClinGen allele CA8130255.

ClinVar aggregate classification (germline): Uncertain significance. Review status: criteria provided, multiple submitters, no conflicts (2 of 4 stars). 2 submissions from 2 submitters: Uncertain significance (2). Last evaluated 2025-05-01.

Conditions:
Hereditary cancer-predisposing syndrome. Also called: Hereditary neoplastic syndrome; Neoplastic Syndromes, Hereditary; Tumor predisposition; Hereditary Cancer Syndrome. Identifiers: Orphanet 140162, MedGen C0027672, MeSH D009386, MONDO:0015356.
Hereditary diffuse gastric adenocarcinoma (HDGC). Also called: DIFFUSE GASTRIC AND LOBULAR BREAST CANCER SYNDROME. Identifiers: Orphanet 26106, MedGen C1708349, MONDO:0007648, OMIM 137215.

Allele frequency attached by ClinVar (database versions not stated): gnomAD exomes below 0.00001; ExAC 0.00001.

Submissions (2):

Ambry Genetics
Classification: Uncertain significance for Hereditary cancer-predisposing syndrome. Last evaluated: 2025-05-01. Review status: criteria provided, single submitter. Criteria: Ambry Variant Classification Scheme 2023. Collection method: clinical testing. Allele origin: germline.
Comment: The p.L769V variant (also known as c.2305T>G), located in coding exon 15 of the CDH1 gene, results from a T to G substitution at nucleotide position 2305. The leucine at codon 769 is replaced by valine, an amino acid with highly similar properties. This amino acid position is highly conserved in available vertebrate species. In addition, this alteration is predicted to be tolerated by in silico analysis. Based on the available evidence, the clinical significance of this variant remains unclear.

Labcorp Genetics (formerly Invitae), Labcorp
Classification: Uncertain significance for Hereditary diffuse gastric adenocarcinoma. Last evaluated: 2024-12-18. Review status: criteria provided, single submitter. Criteria: Invitae Variant Classification Sherloc (09022015). Collection method: clinical testing. Allele origin: germline.
Comment: This sequence change replaces leucine, which is neutral and non-polar, with valine, which is neutral and non-polar, at codon 769 of the CDH1 protein (p.Leu769Val). This variant is present in population databases (rs766222121, gnomAD 0.004%). This variant has not been reported in the literature in individuals affected with CDH1-related conditions. ClinVar contains an entry for this variant (Variation ID: 485473). An algorithm developed to predict the effect of missense changes on protein structure and function (PolyPhen-2) suggests that this variant is likely to be disruptive. In summary, the available evidence is currently insufficient to determine the role of this variant in disease. Therefore, it has been classified as a Variant of Uncertain Significance.